The following is an entry in ClinVar:

ClinVar aggregate classification (germline): Conflicting classifications of pathogenicity. Review status: criteria provided, conflicting classifications (1 of 4 stars). 2 submissions from 2 submitters: Likely pathogenic (1); Uncertain significance (1). Last evaluated 2024-06-21.

Conditions:
Metachromatic leukodystrophy (MLD). Also called: ARSA DEFICIENCY; Cerebral sclerosis diffuse metachromatic form; SULFATIDE LIPIDOSIS; METACHROMATIC LEUKOENCEPHALOPATHY; Arylsulfatase A Deficiency; CEREBROSIDE SULFATASE DEFICIENCY. Identifiers: Orphanet 512, MedGen C0023522, MONDO:0018868, OMIM 250100.

Submissions (2):

Fulgent Genetics
Classification: Likely pathogenic for Metachromatic leukodystrophy. Last evaluated: 2024-06-21. Review status: criteria provided, single submitter. Criteria: ACMG Guidelines, 2015. Collection method: clinical testing. Allele origin: germline.

Labcorp Genetics (formerly Invitae), Labcorp
Classification: Uncertain significance for Metachromatic leukodystrophy. Last evaluated: 2021-08-28. Review status: criteria provided, single submitter. Criteria: Invitae Variant Classification Sherloc (09022015). Collection method: clinical testing. Allele origin: germline.
Comment: This sequence change affects an acceptor splice site in intron 7 of the ARSA gene. While this variant is not anticipated to result in nonsense mediated decay, it likely alters RNA splicing and results in a disrupted protein product. This variant is not present in population databases (ExAC no frequency). This variant has not been reported in the literature in individuals affected with ARSA-related conditions. Variants that disrupt the consensus splice site are a relatively common cause of aberrant splicing (PMID: 17576681, 9536098). Algorithms developed to predict the effect of sequence changes on RNA splicing suggest that this variant may disrupt the consensus splice site. In summary, the available evidence is currently insufficient to determine the role of this variant in disease. Therefore, it has been classified as a Variant of Uncertain Significance.

Literature cited by the submitters: PubMed 17576681 (cited by Labcorp Genetics (formerly Invitae), Labcorp); PubMed 9536098 (cited by Labcorp Genetics (formerly Invitae), Labcorp).

NM_000487.6(ARSA):c.1211-2A>G

Gene: ARSA (arylsulfatase A; minus strand). Cytogenetic location: 22q13.33.
Variant type: single nucleotide variant.
Coding change: c.1211-2A>G on transcript NM_000487.6 (MANE Select); the canonical splice acceptor site of the intron before coding-DNA position 1211, A replaced by G.
Molecular consequence: splice acceptor variant.
Genome position (GRCh38, 1-based): chr22:50,625,466, T>C on the plus strand (A>G on the coding strand, the complement: ARSA is on the minus strand). VCF-style: chr22-50625466-T-C. GRCh37 (hg19) VCF-style: chr22-51063894-T-C.
Other names: c.953-2A>G (NM_001362782.2, NM_001085428.3); c.1211-2A>G (NM_001085427.3, NM_001085426.3, NM_001085425.3).
Identifiers: ClinVar variation 1349708 (VCV001349708.4), dbSNP rs74925710, ClinGen allele CA325531231.